The following is an entry in ClinVar:

NM_004970.3(IGFALS):c.1436G>A (p.Gly479Asp)

Gene: IGFALS (insulin like growth factor binding protein acid labile subunit; minus strand). Cytogenetic location: 16p13.3.
Variant type: single nucleotide variant.
Coding change: c.1436G>A on transcript NM_004970.3 (MANE Select); coding-DNA position 1436, G replaced by A.
Protein change: p.Gly479Asp; replaces glycine 479 with aspartic acid.
Molecular consequence: missense variant. On other transcripts: non-coding transcript variant (1).
Genome position (GRCh38, 1-based): chr16:1,790,982, C>T on the plus strand (G>A on the coding strand, the complement: IGFALS is on the minus strand). VCF-style: chr16-1790982-C-T. GRCh37 (hg19) VCF-style: chr16-1840983-C-T.
Other names: c.1550G>A, p.Gly517Asp (NM_001146006.2); short protein forms G479D, G517D.
Identifiers: ClinVar variation 718756 (VCV000718756.15), dbSNP rs182305760, ClinGen allele CA7820305.

ClinVar aggregate classification (germline): Conflicting classifications of pathogenicity. Review status: criteria provided, conflicting classifications (1 of 4 stars). 6 submissions from 6 submitters: Uncertain significance (1); Likely benign (4). 1 of the submissions does not count toward it. Last evaluated 2026-03-13.

Conditions:
IGFALS-related disorder. Also called: IGFALS-related condition.
Short stature due to primary acid-labile subunit deficiency. Also called: Acid-labile subunit deficiency; Acid-labile subunit, deficiency of. Identifiers: Orphanet 140941, MedGen C3900122, MONDO:0014420, OMIM 615961.

Allele frequency attached by ClinVar (database versions not stated): 1000 Genomes Project below 0.00001; TOPMed 0.00141; gnomAD exomes 0.00143 and 0.00257; gnomAD 0.00168 and 0.00174; ESP Exome Variant Server 0.00174; ExAC 0.00181.
gnomAD v4.1: 3,948 of 1,596,916 alleles (0.25%); highest among the groups gnomAD compares: Non-Finnish European, 0.3%; 6 homozygotes.

Submissions (6):

Women's Health and Genetics/Laboratory Corporation of America, LabCorp
Classification: Likely benign. Last evaluated: 2026-03-13. Review status: criteria provided, single submitter. Criteria: LabCorp Variant Classification Summary - May 2015. Collection method: clinical testing. Allele origin: germline.
Comment: Variant summary: IGFALS c.1436G>A (p.Gly479Asp) results in a non-conservative amino acid change located in the Leucine-rich repeats, typical (most populated) subfamily ( IPR003591) of the encoded protein sequence. Algorithms developed to predict the effect of missense changes on protein structure and function are either unavailable or do not agree on the potential impact of this missense change. The variant allele was found at a frequency of 0.0014 in 226558 control chromosomes, predominantly at a frequency of 0.0026 within the Non-Finnish European subpopulation in the gnomAD database, including 2 homozygotes. The observed variant frequency within Non-Finnish European control individuals in the gnomAD database exceeds the estimated maximal expected allele frequency for disease-causing variants in IGFALS. To our knowledge, no occurrence of c.1436G>A in individuals affected with IGFALS-related conditions and no experimental evidence demonstrating its impact on protein function have been reported. ClinVar contains an entry for this variant (Variation ID: 718756). Based on the evidence outlined above, the variant was classified as likely benign.

Blueprint Genetics
Classification: Likely benign. Last evaluated: 2024-11-27. Review status: criteria provided, single submitter. Criteria: ACMG Guidelines, 2015. Collection method: clinical testing. Allele origin: germline.

Labcorp Genetics (formerly Invitae), Labcorp
Classification: Likely benign. Last evaluated: 2019-12-31. Review status: criteria provided, single submitter. Criteria: Invitae Variant Classification Sherloc (09022015). Collection method: clinical testing. Allele origin: germline.

Institute of Human Genetics, University of Leipzig Medical Center
Classification: Likely benign for Short stature due to primary acid-labile subunit deficiency. Last evaluated: 2019-01-01. Review status: criteria provided, single submitter. Criteria: ACMG Guidelines, 2015. Collection method: clinical testing. Allele origin: unknown. Affected: yes.

Illumina Laboratory Services, Illumina
Classification: Uncertain significance for Short stature due to primary acid-labile subunit deficiency. Last evaluated: 2017-04-27. Review status: criteria provided, single submitter. Criteria: ICSL Variant Classification Criteria 13 December 2019. Collection method: clinical testing. Allele origin: germline.
Comment: This variant was observed as part of a predisposition screen in an ostensibly healthy population. A literature search was performed for the gene, cDNA change, and amino acid change (where applicable). Publications were found based on this search. However, the evidence from the literature, in combination with allele frequency data from public databases where available, was not sufficient to rule this variant in or out of causing disease. Therefore, this variant is classified as a variant of unknown significance.

PreventionGenetics, part of Exact Sciences
Classification: Likely benign for IGFALS-related condition. Last evaluated: 2024-03-14. Review status: no assertion criteria provided. Collection method: clinical testing. Allele origin: germline. Not counted in ClinVar's aggregate classification.
Comment: This variant is classified as likely benign based on ACMG/AMP sequence variant interpretation guidelines (Richards et al. 2015 PMID: 25741868, with internal and published modifications).

Literature cited by the submitters: PubMed 23488611 (cited by Illumina Laboratory Services, Illumina).